The following is an entry in ClinVar:

NM_021813.4(BACH2):c.1226C>T (p.Ser409Leu)

Gene: BACH2 (BTB domain and CNC homolog 2; minus strand). Cytogenetic location: 6q15.
Variant type: single nucleotide variant.
Coding change: c.1226C>T on transcript NM_021813.4 (MANE Select); coding-DNA position 1226, C replaced by T.
Protein change: p.Ser409Leu; replaces serine 409 with leucine.
Molecular consequence: missense variant.
Genome position (GRCh38, 1-based): chr6:89,950,880, G>A on the plus strand (C>T on the coding strand, the complement: BACH2 is on the minus strand). VCF-style: chr6-89950880-G-A. GRCh37 (hg19) VCF-style: chr6-90660599-G-A.
Other names: c.1226C>T, p.Ser409Leu (NM_001170794.2); c.1226C>T (NM_021813.2); short protein forms S409L.
Identifiers: ClinVar variation 1498452 (VCV001498452.8), dbSNP rs763363335, ClinGen allele CA3928028.

ClinVar aggregate classification (germline): Uncertain significance. Review status: criteria provided, multiple submitters, no conflicts (2 of 4 stars). 2 submissions from 2 submitters: Uncertain significance (2). Last evaluated 2024-12-16.

Allele frequency attached by ClinVar (database versions not stated): ExAC 0.00001; gnomAD 0.00001; TOPMed 0.00002; gnomAD exomes 0.00003.
gnomAD v4.1: 12 of 1,605,902 alleles (0.00075%); highest among the groups gnomAD compares: Admixed American, 0.012%; no homozygotes.

Submissions (2):

Labcorp Genetics (formerly Invitae), Labcorp
Classification: Uncertain significance. Last evaluated: 2024-12-16. Review status: criteria provided, single submitter. Criteria: Invitae Variant Classification Sherloc (09022015). Collection method: clinical testing. Allele origin: germline.
Comment: This sequence change replaces serine, which is neutral and polar, with leucine, which is neutral and non-polar, at codon 409 of the BACH2 protein (p.Ser409Leu). This variant is present in population databases (rs763363335, gnomAD 0.01%). This variant has not been reported in the literature in individuals affected with BACH2-related conditions. ClinVar contains an entry for this variant (Variation ID: 1498452). Invitae Evidence Modeling of protein sequence and biophysical properties (such as structural, functional, and spatial information, amino acid conservation, physicochemical variation, residue mobility, and thermodynamic stability) indicates that this missense variant is not expected to disrupt BACH2 protein function with a negative predictive value of 80%. In summary, the available evidence is currently insufficient to determine the role of this variant in disease. Therefore, it has been classified as a Variant of Uncertain Significance.

Ambry Genetics
Classification: Uncertain significance. Last evaluated: 2022-01-19. Review status: criteria provided, single submitter. Criteria: Ambry Variant Classification Scheme 2023. Collection method: clinical testing. Allele origin: germline.